The following is an entry in ClinVar:

ClinVar aggregate classification (germline): Conflicting classifications of pathogenicity. Review status: criteria provided, conflicting classifications (1 of 4 stars). 4 submissions from 4 submitters: Uncertain significance (3); Likely benign (1). Last evaluated 2026-06-01.

Conditions:
Postaxial polydactyly-anterior pituitary anomalies-facial dysmorphism syndrome. Also called: Culler-Jones syndrome. Identifiers: Orphanet 420584, MedGen C4014479, MONDO:0014369, OMIM 615849.
Holoprosencephaly 9 (HPE9). Also called: HOLOPROSENCEPHALY WITH MICROPHTHALMIA AND FIRST BRANCHIAL ARCH ANOMALIES; PITUITARY ANOMALIES WITH HOLOPROSENCEPHALY-LIKE FEATURES. Identifiers: Orphanet 2162, MedGen C1835819, MONDO:0012563, OMIM 610829.

Allele frequency attached by ClinVar (database versions not stated): ESP Exome Variant Server 0.00008; ExAC 0.00011; gnomAD exomes 0.00012; TOPMed 0.00012; gnomAD 0.00013 and 0.00014.
gnomAD v4.1: 268 of 1,613,926 alleles (0.017%); highest among the groups gnomAD compares: Non-Finnish European, 0.021%; 1 homozygote.

Submissions (4):

CeGaT Center for Human Genetics Tuebingen
Classification: Likely benign. Last evaluated: 2026-06-01. Review status: criteria provided, single submitter. Criteria: CeGaT Center For Human Genetics Tuebingen Variant Classification Criteria Version 2. Collection method: clinical testing. Allele origin: germline. Affected: yes. Observed: 1 variant allele.
Comment: GLI2: BP4

Labcorp Genetics (formerly Invitae), Labcorp
Classification: Uncertain significance for Postaxial polydactyly-anterior pituitary anomalies-facial dysmorphism syndrome; Holoprosencephaly 9. Last evaluated: 2025-11-04. Review status: criteria provided, single submitter. Criteria: Invitae Variant Classification Sherloc (09022015). Collection method: clinical testing. Allele origin: germline.
Comment: This sequence change replaces aspartic acid, which is acidic and polar, with glutamic acid, which is acidic and polar, at codon 1481 of the GLI2 protein (p.Asp1481Glu). This variant is present in population databases (rs201051196, gnomAD 0.02%). This variant has not been reported in the literature in individuals affected with GLI2-related conditions. ClinVar contains an entry for this variant (Variation ID: 893754). Invitae Evidence Modeling of protein sequence and biophysical properties (such as structural, functional, and spatial information, amino acid conservation, physicochemical variation, residue mobility, and thermodynamic stability) indicates that this missense variant is not expected to disrupt GLI2 protein function with a negative predictive value of 80%. In summary, the available evidence is currently insufficient to determine the role of this variant in disease. Therefore, it has been classified as a Variant of Uncertain Significance.

Department of Pathology and Laboratory Medicine, Sinai Health System
Classification: Uncertain significance for Holoprosencephaly 9; Postaxial polydactyly-anterior pituitary anomalies-facial dysmorphism syndrome. Last evaluated: 2023-01-05. Review status: criteria provided, single submitter. Criteria: ACMG Guidelines, 2015. Collection method: research. Allele origin: germline.

Illumina Laboratory Services, Illumina
Classification: Uncertain significance for Holoprosencephaly 9. Last evaluated: 2018-01-13. Review status: criteria provided, single submitter. Criteria: ICSL Variant Classification Criteria 13 December 2019. Collection method: clinical testing. Allele origin: germline.

NM_001374353.1(GLI2):c.4392C>G (p.Asp1464Glu)

Gene: GLI2 (GLI family zinc finger 2; plus strand). Cytogenetic location: 2q14.2.
Variant type: single nucleotide variant.
Coding change: c.4392C>G on transcript NM_001374353.1 (MANE Select); coding-DNA position 4392, C replaced by G.
Protein change: p.Asp1464Glu; replaces aspartic acid 1464 with glutamic acid.
Molecular consequence: missense variant.
Genome position (GRCh38, 1-based): chr2:120,990,357, C>G. VCF-style: chr2-120990357-C-G. GRCh37 (hg19) VCF-style: chr2-121747933-C-G.
Other names: c.4443C>G, p.Asp1481Glu (NM_001371271.1, NM_005270.5); c.4017C>G, p.Asp1339Glu (NM_001374354.1); short protein forms D1339E, D1464E, D1481E.
Identifiers: ClinVar variation 893754 (VCV000893754.12), dbSNP rs201051196, ClinGen allele CA1852623.